The following is an entry in ClinVar:

NM_006420.3(ARFGEF2):c.632C>A (p.Pro211Gln)

Gene: ARFGEF2 (ARF guanine nucleotide exchange factor 2; plus strand). Cytogenetic location: 20q13.13.
Variant type: single nucleotide variant.
Coding change: c.632C>A on transcript NM_006420.3 (MANE Select); coding-DNA position 632, C replaced by A.
Protein change: p.Pro211Gln; replaces proline 211 with glutamine.
Molecular consequence: missense variant.
Genome position (GRCh38, 1-based): chr20:48,953,584, C>A. VCF-style: chr20-48953584-C-A. GRCh37 (hg19) VCF-style: chr20-47570121-C-A.
Other names: c.632C>A, p.Pro211Gln (NM_001410846.1); short protein forms P211Q.
Identifiers: ClinVar variation 4536395 (VCV004536395.1).

ClinVar aggregate classification (germline): Uncertain significance (1 of 4 stars; one submission).

gnomAD v4.1: 4 of 1,614,128 alleles (0.00025%); highest among the groups gnomAD compares: South Asian, 0.0044%; no homozygotes.

Submission:

GeneDx
Classification: Uncertain significance. Last evaluated: 2025-06-03. Review status: criteria provided, single submitter. Criteria: GeneDx Variant Classification Process June 2021. Collection method: clinical testing. Allele origin: germline. Affected: yes.
Comment: Not observed at significant frequency in large population cohorts (gnomAD); In silico analysis suggests that this missense variant does not alter protein structure/function; Has not been previously published as pathogenic or benign to our knowledge